The following is an entry in ClinVar:

NM_001166108.2(PALLD):c.1965-12625_1965-12624delinsGC

Gene: PALLD (palladin, cytoskeletal associated protein; plus strand). Cytogenetic location: 4q32.3.
Variant type: Indel.
Coding change: c.1965-12625_1965-12624delinsGC on transcript NM_001166108.2 (MANE Select); 12625 bases into the intron before coding-DNA position 1965 through 12624 bases into the intron before coding-DNA position 1965, AG replaced by GC.
Molecular consequence: intron variant. On other transcripts: missense variant (1).
Genome position (GRCh38, 1-based): chr4:168,878,297-168,878,298, AG replaced by GC. VCF-style: chr4-168878297-AG-GC. GRCh37 (hg19) VCF-style: chr4-169799448-AG-GC.
Other names: c.406_407delinsGC, p.Ser136Ala (NM_001166110.2); c.1965-12625_1965-12624delinsGC (NM_016081.4); c.819-12625_819-12624delinsGC (NM_001166109.2); c.-157-12625_-157-12624delinsGC (NM_001367570.1, NM_001367568.1, NM_001367567.1 and 1 more transcripts); short protein forms S136A.
Identifiers: ClinVar variation 3718852 (VCV003718852.2).

ClinVar aggregate classification (germline): Uncertain significance (1 of 4 stars; one submission).

Conditions:
Pancreatic adenocarcinoma. Identifiers: MedGen C0281361, MONDO:0006047, HP:0006725.

Submission:

Labcorp Genetics (formerly Invitae), Labcorp
Classification: Uncertain significance for Pancreatic adenocarcinoma. Last evaluated: 2024-07-04. Review status: criteria provided, single submitter. Criteria: Invitae Variant Classification Sherloc (09022015). Collection method: clinical testing. Allele origin: germline.
Comment: This sequence change replaces serine, which is neutral and polar, with alanine, which is neutral and non-polar, at codon 136 of the PALLD protein (p.Ser136Ala). Information on the frequency of this variant in the gnomAD database is not available, as this variant may be reported differently in the database. This variant has not been reported in the literature in individuals affected with PALLD-related conditions. An algorithm developed to predict the effect of missense changes on protein structure and function (PolyPhen-2) suggests that this variant is likely to be tolerated. In summary, the available evidence is currently insufficient to determine the role of this variant in disease. Therefore, it has been classified as a Variant of Uncertain Significance.